The following is an entry in ClinVar:

NM_000051.4(ATM):c.-24A>G

Gene: ATM (ATM serine/threonine kinase; plus strand). Cytogenetic location: 11q22.3.
Variant type: single nucleotide variant.
Coding change: c.-24A>G on transcript NM_000051.4 (MANE Select); 24 bases upstream of the start codon, A replaced by G.
Molecular consequence: 5 prime UTR variant.
Genome position (GRCh38, 1-based): chr11:108,227,601, A>G. VCF-style: chr11-108227601-A-G. GRCh37 (hg19) VCF-style: chr11-108098328-A-G.
Other names: c.-24A>G (NM_001351834.2, NM_001351835.2, NM_001351836.2).
Identifiers: ClinVar variation 377502 (VCV000377502.1), dbSNP rs890413530, ClinGen allele CA16605750.
Genomic context (GRCh38, chr11:108,227,601, plus strand): 5'-TATATATGCATATATACATATACATATATATACCTATATGTATTTTTTTTACAGACAGTG[A>G]TGTGTGTTCTGAAATTGTGAACCATGAGTCTAGTACTTAATGATCTGCTTATCTGCTGCC-3'

ClinVar aggregate classification (germline): Likely benign (1 of 4 stars; one submission).

Allele frequency attached by ClinVar (database versions not stated): gnomAD exomes below 0.00001; gnomAD 0.00002 and 0.00003; TOPMed 0.00005.
gnomAD v4.1: 8 of 1,603,620 alleles (0.0005%); highest among the groups gnomAD compares: African/African-American, 0.011%; no homozygotes.

Submission:

GeneDx
Classification: Likely benign. Last evaluated: 2017-02-28. Review status: criteria provided, single submitter. Criteria: GeneDx Variant Classification (06012015). Collection method: clinical testing. Allele origin: germline. Affected: yes.
Comment: This variant is considered likely benign or benign based on one or more of the following criteria: it is a conservative change, it occurs at a poorly conserved position in the protein, it is predicted to be benign by multiple in silico algorithms, and/or has population frequency not consistent with disease.